The following is an entry in ClinVar:

ClinVar aggregate classification (germline): Pathogenic/Likely pathogenic. Review status: criteria provided, multiple submitters, no conflicts (2 of 4 stars). 3 submissions from 3 submitters: Pathogenic (1); Likely pathogenic (1). 1 of the submissions does not count toward it. Last evaluated 2023-09-13.

Conditions:
Epidermolysis bullosa simplex. Also called: Epidermolysis bullosa simplex, Weber-Cockayne type (subtype); Epidermolysis bullosa simplex, Dowling-Meara type (subtype); Epidermolysis bullosa simplex with mottled pigmentation (subtype). Identifiers: Orphanet 304, MedGen C0079298, MONDO:0017610.

Submissions (3):

GeneDx
Classification: Likely pathogenic. Last evaluated: 2023-09-13. Review status: criteria provided, single submitter. Criteria: GeneDx Variant Classification Process June 2021. Collection method: clinical testing. Allele origin: germline. Affected: yes.
Comment: Not observed in large population cohorts (gnomAD); In silico analysis supports that this missense variant has a deleterious effect on protein structure/function; This variant is associated with the following publications: (PMID: 17039244, 25017986)

Biomedical Innovation Departament, CIEMAT
Classification: Pathogenic for Simplex epidermolysis bullosa. Last evaluated: 2009-05-15. Review status: criteria provided, single submitter. Criteria: ACMG Guidelines, 2015. Collection method: research. Allele origin: germline. Affected: yes. Observed: 1 variant allele.

Epithelial Biology;  Institute of Medical Biology, Singapore
No classification provided. Review status: no classification provided. Collection method: not provided. Allele origin: not provided. Not counted in ClinVar's aggregate classification.

Literature cited by the submitters: PubMed 21623745 (cited by Biomedical Innovation Departament, CIEMAT).

NM_000424.4(KRT5):c.1283C>T (p.Ala428Val)

Genes: KRT5 (keratin 5; minus strand), LOC126861525 (BRD4-independent group 4 enhancer GRCh37_chr12:52909857-52911056; plus strand). Cytogenetic location: 12q13.13.
Variant type: single nucleotide variant.
Coding change: c.1283C>T on transcript NM_000424.4 (MANE Select); coding-DNA position 1283, C replaced by T.
Protein change: p.Ala428Val; replaces alanine 428 with valine.
Molecular consequence: missense variant.
Genome position (GRCh38, 1-based): chr12:52,516,793, G>A on the plus strand (C>T on the coding strand, the complement: KRT5 is on the minus strand). VCF-style: chr12-52516793-G-A. GRCh37 (hg19) VCF-style: chr12-52910577-G-A.
Other names: short protein forms A428V.
Identifiers: ClinVar variation 66203 (VCV000066203.3), dbSNP rs59243757, ClinGen allele CA216650.